The following is an entry in ClinVar:

NM_001276270.2(MBD4):c.116T>C (p.Val39Ala)

Gene: MBD4 (methyl-CpG binding domain 4, DNA glycosylase; minus strand). Cytogenetic location: 3q21.3.
Variant type: single nucleotide variant.
Coding change: c.116T>C on transcript NM_001276270.2 (MANE Select); coding-DNA position 116, T replaced by C.
Protein change: p.Val39Ala; replaces valine 39 with alanine.
Molecular consequence: missense variant.
Genome position (GRCh38, 1-based): chr3:129,437,939, A>G on the plus strand (T>C on the coding strand, the complement: MBD4 is on the minus strand). VCF-style: chr3-129437939-A-G. GRCh37 (hg19) VCF-style: chr3-129156782-A-G.
Other names: c.116T>C, p.Val39Ala (NM_001276271.2, NM_001276272.2, NM_001276273.2 and 1 more transcripts); short protein forms V39A.
Identifiers: ClinVar variation 4104664 (VCV004104664.1).
Genomic context (GRCh38, chr3:129,437,939, plus strand): 5'-CTGCTTCTTTTTATCATCATTTGTTCCTCATCTTCTCCCACTCTTTCCAATTCCATAGCA[A>G]CATCTTCTTTGCTGGAAAAACAAAGTCTAAGTGATTAACTTATTTAAAATTTATCTTCCA-3'
Protein context (NP_001263199.1, residues 29-49): DPPNDLRKED[Val39Ala]AMELERVGED

ClinVar aggregate classification (germline): Uncertain significance (1 of 4 stars; one submission).

Conditions:
Inborn genetic diseases. Identifiers: MedGen C0950123, MeSH D030342.

Submission:

Ambry Genetics
Classification: Uncertain significance for Inborn genetic diseases. Last evaluated: 2025-08-23. Review status: criteria provided, single submitter. Criteria: Ambry Variant Classification Scheme 2023. Collection method: clinical testing. Allele origin: germline.
Comment: The p.V39A variant (also known as c.116T>C), located in coding exon 2 of the MBD4 gene, results from a T to C substitution at nucleotide position 116. The valine at codon 39 is replaced by alanine, an amino acid with similar properties. This amino acid position is conserved. In addition, this alteration is predicted to be tolerated by in silico analysis. Based on the available evidence, the clinical significance of this variant remains unclear.